The following is an entry in ClinVar:

NM_182961.4(SYNE1):c.8543C>T (p.Ala2848Val)

Genes: SYNE1 (spectrin repeat containing nuclear envelope protein 1; minus strand), LOC126859838 (CDK7 strongly-dependent group 2 enhancer GRCh37_chr6:152706655-152707854; plus strand). Cytogenetic location: 6q25.2.
Variant type: single nucleotide variant.
Coding change: c.8543C>T on transcript NM_182961.4 (MANE Select); coding-DNA position 8543, C replaced by T.
Protein change: p.Ala2848Val; replaces alanine 2848 with valine.
Molecular consequence: missense variant.
Genome position (GRCh38, 1-based): chr6:152,385,783, G>A on the plus strand (C>T on the coding strand, the complement: SYNE1 is on the minus strand). VCF-style: chr6-152385783-G-A. GRCh37 (hg19) VCF-style: chr6-152706918-G-A.
Other names: c.8564C>T, p.Ala2855Val (NM_033071.5); short protein forms A2848V, A2855V.
Identifiers: ClinVar variation 2170549 (VCV002170549.7), dbSNP rs368832347, ClinGen allele CA4057521.

ClinVar aggregate classification (germline): Uncertain significance. Review status: criteria provided, multiple submitters, no conflicts (2 of 4 stars). 2 submissions from 2 submitters: Uncertain significance (2). Last evaluated 2026-01-01.

Conditions:
Autosomal recessive ataxia, Beauce type. Also called: Spinocerebellar ataxia, autosomal recessive 8; SYNE1-Related Autosomal Recessive Cerebellar Ataxia; SYNE1 Deficiency; ATAXIA, RECESSIVE, OF BEAUCE. Identifiers: Orphanet 88644, MedGen C1853116, MONDO:0012549, OMIM 610743.
Emery-Dreifuss muscular dystrophy 4, autosomal dominant (EDMD4). Also called: EMERY-DREIFUSS MUSCULAR DYSTROPHY 4 WITH VARIABLE FEATURES. Identifiers: Orphanet 261, MedGen C2751807, MONDO:0013071, OMIM 612998.

gnomAD v4.1: 31 of 1,613,922 alleles (0.0019%); highest among the groups gnomAD compares: Admixed American, 0.01%; no homozygotes.

Submissions (2):

CeGaT Center for Human Genetics Tuebingen
Classification: Uncertain significance. Last evaluated: 2026-01-01. Review status: criteria provided, single submitter. Criteria: CeGaT Center For Human Genetics Tuebingen Variant Classification Criteria Version 2. Collection method: clinical testing. Allele origin: germline. Affected: yes. Observed: 2 variant alleles.
Comment: SYNE1: PM2

Labcorp Genetics (formerly Invitae), Labcorp
Classification: Uncertain significance for Emery-Dreifuss muscular dystrophy 4, autosomal dominant; Autosomal recessive ataxia, Beauce type. Last evaluated: 2022-08-21. Review status: criteria provided, single submitter. Criteria: Invitae Variant Classification Sherloc (09022015). Collection method: clinical testing. Allele origin: germline.
Comment: This sequence change replaces alanine, which is neutral and non-polar, with valine, which is neutral and non-polar, at codon 2855 of the SYNE1 protein (p.Ala2855Val). This variant is present in population databases (rs368832347, gnomAD 0.02%). This variant has not been reported in the literature in individuals affected with SYNE1-related conditions. Algorithms developed to predict the effect of missense changes on protein structure and function (SIFT, PolyPhen-2, Align-GVGD) all suggest that this variant is likely to be disruptive. In summary, the available evidence is currently insufficient to determine the role of this variant in disease. Therefore, it has been classified as a Variant of Uncertain Significance.